The following is an entry in ClinVar:

ClinVar aggregate classification (germline): Pathogenic (1 of 4 stars; one submission).

Conditions:
Surfactant metabolism dysfunction, pulmonary, 4 (SMDP4). Also called: CSF2RA DEFICIENCY; PAP DUE TO CSF2RA DEFICIENCY; PULMONARY ALVEOLAR PROTEINOSIS, CONGENITAL, 4. Identifiers: Orphanet 264675, MedGen C2677877, MONDO:0010424, OMIM 300770.

Allele frequency attached by ClinVar (database versions not stated): gnomAD exomes 0.00001 and 0.00004; ExAC 0.00002; gnomAD 0.00002; TOPMed 0.00002.
gnomAD v4.1: 62 of 1,611,378 alleles (0.0038%); highest among the groups gnomAD compares: Non-Finnish European, 0.0046%; no homozygotes.

Submission:

Labcorp Genetics (formerly Invitae), Labcorp
Classification: Pathogenic for Surfactant metabolism dysfunction, pulmonary, 4. Last evaluated: 2025-12-10. Review status: criteria provided, single submitter. Criteria: Invitae Variant Classification Sherloc (09022015). Collection method: clinical testing. Allele origin: germline.
Comment: This sequence change creates a premature translational stop signal (p.Arg28*) in the CSF2RA gene. It is expected to result in an absent or disrupted protein product. Loss-of-function variants in CSF2RA are known to be pathogenic (PMID: 20622029, 25425184). The frequency data for this variant in the population databases is considered unreliable, as metrics indicate poor data quality at this position in the gnomAD database. This variant has not been reported in the literature in individuals affected with CSF2RA-related conditions. ClinVar contains an entry for this variant (Variation ID: 1074981). Algorithms developed to predict the effect of sequence changes on RNA splicing suggest that this variant may disrupt the consensus splice site. For these reasons, this variant has been classified as Pathogenic.

Literature cited by the submitters: PubMed 20622029; PubMed 25425184.

NM_172245.4(CSF2RA):c.82C>T (p.Arg28Ter)

Gene: CSF2RA (colony stimulating factor 2 receptor subunit alpha; plus strand). Cytogenetic location: Xp22.33.
Variant type: single nucleotide variant.
Coding change: c.82C>T on transcript NM_172245.4 (MANE Select); coding-DNA position 82, C replaced by T.
Protein change: p.Arg28Ter; replaces arginine 28 with a stop codon.
Molecular consequence: nonsense. On other transcripts: non-coding transcript variant (1), intron variant (1).
Genome position (GRCh38, 1-based): chrX:1,285,783, C>T. VCF-style: chrX-1285783-C-T. GRCh37 (hg19) VCF-style: chrX-1404676-C-T.
Other names: c.82C>T, p.Arg28Ter (NM_001161529.2, NM_001161530.2, NM_001161531.2 and 20 more transcripts); c.-180-2736C>T (NM_001161532.2); short protein forms R28*.
Identifiers: ClinVar variation 1074981 (VCV001074981.8), dbSNP rs756203389, ClinGen allele CA10330667.
Genomic context (GRCh38, chrX:1,285,783, plus strand): 5'-AAAAAAAAAGGAAAAGAAAAGAGGAAATTCTGAACCCAGTGCCCGCTCCTTGCAGATCTG[C>T]GAACAGTGGCACCAGCCTCTAGTCTCAATGTGAGGTTTGACTCCAGGACGATGAATTTAA-3'